The following is an entry in ClinVar:

ClinVar aggregate classification (germline): Uncertain significance (1 of 4 stars; one submission).

Conditions:
Congenital myasthenic syndrome 20. Also called: Myasthenic syndrome, congenital, 20, presynaptic. Identifiers: MedGen C4310694, MONDO:0014939, OMIM 617143.
Neuronopathy, distal hereditary motor, type 7A. Also called: Neuronopathy, distal hereditary motor, type viia; SPINAL MUSCULAR ATROPHY, DISTAL, WITH VOCAL CORD PARALYSIS; NEURONOPATHY, DISTAL HEREDITARY MOTOR, HARDING TYPE VIIA; NEUROPATHY, DISTAL HEREDITARY MOTOR, HARDING TYPE VIIA; Neuronopathy, distal hereditary motor, autosomal dominant 7; HARPER-YOUNG MYOPATHY. Identifiers: Orphanet 139589, MedGen C1834703, MONDO:0008024, OMIM 158580.

Submission:

Labcorp Genetics (formerly Invitae), Labcorp
Classification: Uncertain significance for Neuronopathy, distal hereditary motor, type 7A; Congenital myasthenic syndrome 20. Last evaluated: 2024-03-16. Review status: criteria provided, single submitter. Criteria: Invitae Variant Classification Sherloc (09022015). Collection method: clinical testing. Allele origin: germline.
Comment: This sequence change replaces isoleucine, which is neutral and non-polar, with valine, which is neutral and non-polar, at codon 156 of the SLC5A7 protein (p.Ile156Val). This variant is not present in population databases (gnomAD no frequency). This variant has not been reported in the literature in individuals affected with SLC5A7-related conditions. ClinVar contains an entry for this variant (Variation ID: 1956540). Advanced modeling of protein sequence and biophysical properties (such as structural, functional, and spatial information, amino acid conservation, physicochemical variation, residue mobility, and thermodynamic stability) performed at Invitae indicates that this missense variant is not expected to disrupt SLC5A7 protein function with a negative predictive value of 80%. In summary, the available evidence is currently insufficient to determine the role of this variant in disease. Therefore, it has been classified as a Variant of Uncertain Significance.

NM_021815.5(SLC5A7):c.466A>G (p.Ile156Val)

Gene: SLC5A7 (solute carrier family 5 member 7; plus strand). Cytogenetic location: 2q12.3.
Variant type: single nucleotide variant.
Coding change: c.466A>G on transcript NM_021815.5 (MANE Select); coding-DNA position 466, A replaced by G.
Protein change: p.Ile156Val; replaces isoleucine 156 with valine.
Molecular consequence: missense variant. On other transcripts: 5 prime UTR variant (1).
Genome position (GRCh38, 1-based): chr2:107,997,855, A>G. VCF-style: chr2-107997855-A-G. GRCh37 (hg19) VCF-style: chr2-108614311-A-G.
Other names: c.466A>G, p.Ile156Val (NM_001305005.3); c.151A>G, p.Ile51Val (NM_001305006.3); c.-239A>G (NM_001305007.3); short protein forms I156V, I51V.
Identifiers: ClinVar variation 1956540 (VCV001956540.5), dbSNP rs763294235, ClinGen allele CA348112413.